The following is an entry in ClinVar:

NM_001110556.2(FLNA):c.23C>T (p.Ala8Val)

Gene: FLNA (filamin A; minus strand). Cytogenetic location: Xq28.
Variant type: single nucleotide variant.
Coding change: c.23C>T on transcript NM_001110556.2 (MANE Select); coding-DNA position 23, C replaced by T.
Protein change: p.Ala8Val; replaces alanine 8 with valine.
Molecular consequence: missense variant.
Genome position (GRCh38, 1-based): chrX:154,371,223, G>A on the plus strand (C>T on the coding strand, the complement: FLNA is on the minus strand). VCF-style: chrX-154371223-G-A. GRCh37 (hg19) VCF-style: chrX-153599591-G-A.
Other names: c.23C>T, p.Ala8Val (NM_001456.4); short protein forms A8V.
Identifiers: ClinVar variation 2929519 (VCV002929519.3), dbSNP rs1557180284, ClinGen allele CA415255886.

ClinVar aggregate classification (germline): Uncertain significance (1 of 4 stars; one submission).

Conditions:
Oto-palato-digital syndrome, type II (OPD2). Also called: Otopalatodigital Syndrome Type 2 (FLNA-OPD2); FACIOPALATOOSSEOUS SYNDROME; OPD II SYNDROME; Otopalatodigital Syndrome, Type II. Identifiers: Orphanet 669, Orphanet 90652, MedGen C1844696, MONDO:0010571, OMIM 304120.
Heterotopia, periventricular, X-linked dominant (PVNH1). Also called: PERIVENTRICULAR NODULAR HETEROTOPIA 1; X-linked periventricular heterotopia; PERIVENTRICULAR NODULAR HETEROTOPIA 4; HETEROTOPIA, PERIVENTRICULAR, 1. Identifiers: Orphanet 2149, Orphanet 82004, MedGen C1848213, MONDO:0010233, OMIM 300049.
Melnick-Needles syndrome (MNS). Also called: Melnick-Needles Syndrome (FLNA-MNS); MELNICK-NEEDLES OSTEODYSPLASTY; OSTEODYSPLASTY OF MELNICK AND NEEDLES. Identifiers: Orphanet 2484, MedGen C0025237, MONDO:0010650, OMIM 309350.
Frontometaphyseal dysplasia (FMD1). Identifiers: Orphanet 1826, MedGen C0265293, MONDO:0015942.

Submission:

Labcorp Genetics (formerly Invitae), Labcorp
Classification: Uncertain significance for Oto-palato-digital syndrome, type II; Heterotopia, periventricular, X-linked dominant; Frontometaphyseal dysplasia; Melnick-Needles syndrome. Last evaluated: 2023-10-27. Review status: criteria provided, single submitter. Criteria: Invitae Variant Classification Sherloc (09022015). Collection method: clinical testing. Allele origin: germline.
Comment: This sequence change replaces alanine, which is neutral and non-polar, with valine, which is neutral and non-polar, at codon 8 of the FLNA protein (p.Ala8Val). This variant is not present in population databases (gnomAD no frequency). This variant has not been reported in the literature in individuals affected with FLNA-related conditions. Advanced modeling of protein sequence and biophysical properties (such as structural, functional, and spatial information, amino acid conservation, physicochemical variation, residue mobility, and thermodynamic stability) performed at Invitae indicates that this missense variant is not expected to disrupt FLNA protein function with a negative predictive value of 95%. In summary, the available evidence is currently insufficient to determine the role of this variant in disease. Therefore, it has been classified as a Variant of Uncertain Significance.